The following is an entry in ClinVar:

NM_014679.5(CEP57):c.1132C>G (p.His378Asp)

Gene: CEP57 (centrosomal protein 57; plus strand). Cytogenetic location: 11q21.
Variant type: single nucleotide variant.
Coding change: c.1132C>G on transcript NM_014679.5 (MANE Select); coding-DNA position 1132, C replaced by G.
Protein change: p.His378Asp; replaces histidine 378 with aspartic acid.
Molecular consequence: missense variant.
Genome position (GRCh38, 1-based): chr11:95,829,191, C>G. VCF-style: chr11-95829191-C-G. GRCh37 (hg19) VCF-style: chr11-95562355-C-G.
Other names: c.1105C>G, p.His369Asp (NM_001243776.2); c.1054C>G, p.His352Asp (NM_001243777.2); c.1051C>G, p.His351Asp (NM_001363604.2); short protein forms H351D, H352D, H369D, H378D.
Identifiers: ClinVar variation 4001005 (VCV004001005.1).

ClinVar aggregate classification (germline): Uncertain significance (1 of 4 stars; one submission).

Conditions:
Inborn genetic diseases. Identifiers: MedGen C0950123, MeSH D030342.

gnomAD v4.1: 5 of 1,613,614 alleles (0.00031%); highest among the groups gnomAD compares: Admixed American, 0.0067%; no homozygotes.

Submission:

Ambry Genetics
Classification: Uncertain significance for Inborn genetic diseases. Last evaluated: 2025-04-09. Review status: criteria provided, single submitter. Criteria: Ambry Variant Classification Scheme 2023. Collection method: clinical testing. Allele origin: germline.
Comment: The p.H378D variant (also known as c.1132C>G), located in coding exon 10 of the CEP57 gene, results from a C to G substitution at nucleotide position 1132. The histidine at codon 378 is replaced by aspartic acid, an amino acid with similar properties. This amino acid position is conserved. In addition, this alteration is predicted to be deleterious by in silico analysis. Based on the available evidence, the clinical significance of this variant remains unclear.